The following is an entry in ClinVar:

NM_001004334.4(GPR179):c.749C>A (p.Ser250Tyr)

Gene: GPR179 (G protein-coupled receptor 179; minus strand). Cytogenetic location: 17q12.
Variant type: single nucleotide variant.
Coding change: c.749C>A on transcript NM_001004334.4 (MANE Select); coding-DNA position 749, C replaced by A.
Protein change: p.Ser250Tyr; replaces serine 250 with tyrosine.
Molecular consequence: missense variant.
Genome position (GRCh38, 1-based): chr17:38,343,041, G>T on the plus strand (C>A on the coding strand, the complement: GPR179 is on the minus strand). VCF-style: chr17-38343041-G-T. GRCh37 (hg19) VCF-style: chr17-36498924-G-T.
Other names: short protein forms S250Y.
Identifiers: ClinVar variation 1910138 (VCV001910138.2), dbSNP rs2512175413, ClinGen allele CA398888581.

ClinVar aggregate classification (germline): Uncertain significance (1 of 4 stars; one submission).

Submission:

Labcorp Genetics (formerly Invitae), Labcorp
Classification: Uncertain significance. Last evaluated: 2022-08-05. Review status: criteria provided, single submitter. Criteria: Invitae Variant Classification Sherloc (09022015). Collection method: clinical testing. Allele origin: germline.
Comment: This sequence change replaces serine, which is neutral and polar, with tyrosine, which is neutral and polar, at codon 250 of the GPR179 protein (p.Ser250Tyr). This variant is not present in population databases (gnomAD no frequency). This variant has not been reported in the literature in individuals affected with GPR179-related conditions. Algorithms developed to predict the effect of missense changes on protein structure and function are either unavailable or do not agree on the potential impact of this missense change (SIFT: "Deleterious"; PolyPhen-2: "Probably Damaging"; Align-GVGD: "Class C0"). In summary, the available evidence is currently insufficient to determine the role of this variant in disease. Therefore, it has been classified as a Variant of Uncertain Significance.